The following is an entry in ClinVar:

NM_000051.4(ATM):c.2377-7A>G

Gene: ATM (ATM serine/threonine kinase; plus strand). Cytogenetic location: 11q22.3.
Variant type: single nucleotide variant.
Coding change: c.2377-7A>G on transcript NM_000051.4 (MANE Select); 7 bases into the intron before coding-DNA position 2377, A replaced by G.
Molecular consequence: intron variant.
Genome position (GRCh38, 1-based): chr11:108,258,979, A>G. VCF-style: chr11-108258979-A-G. GRCh37 (hg19) VCF-style: chr11-108129706-A-G.
Other names: c.2377-7A>G (NM_001351834.2).
Identifiers: ClinVar variation 846036 (VCV000846036.14), dbSNP rs2080691600, ClinGen allele CA913188493.

ClinVar aggregate classification (germline): Uncertain significance. Review status: criteria provided, multiple submitters, no conflicts (2 of 4 stars). 5 submissions from 5 submitters: Uncertain significance (5). Last evaluated 2025-07-30.

Conditions:
Hereditary cancer-predisposing syndrome. Also called: Hereditary Cancer Syndrome; Neoplastic Syndromes, Hereditary; Hereditary neoplastic syndrome; Tumor predisposition. Identifiers: Orphanet 140162, MedGen C0027672, MeSH D009386, MONDO:0015356.
Ataxia-telangiectasia syndrome (AT). Also called: LOUIS-BAR SYNDROME; Ataxia-telangiectasia, complementation group E; Ataxia-telangiectasia, complementation group D; AT, COMPLEMENTATION GROUP C; Ataxia telangiectasia (A-T); Cerebello-oculocutaneous telangiectasia. Identifiers: Orphanet 100, MedGen C0004135, MONDO:0008840, OMIM 208900.
Familial cancer of breast. Also called: BREAST CANCER, FAMILIAL; hereditary breast carcinoma; Hereditary breast cancer. Identifiers: Orphanet 227535, MedGen C0346153, MONDO:0016419, OMIM 114480. Disease mechanism: loss of function.

Allele frequency attached by ClinVar (database versions not stated): gnomAD exomes below 0.00001.
gnomAD v4.1: 3 of 1,609,916 alleles (0.00019%); highest among the groups gnomAD compares: Non-Finnish European, 0.00026%; no homozygotes.

Submissions (5):

Labcorp Genetics (formerly Invitae), Labcorp
Classification: Uncertain significance for Ataxia-telangiectasia syndrome. Last evaluated: 2025-07-30. Review status: criteria provided, single submitter. Criteria: Invitae Variant Classification Sherloc (09022015). Collection method: clinical testing. Allele origin: germline.
Comment: This sequence change falls in intron 15 of the ATM gene. It does not directly change the encoded amino acid sequence of the ATM protein. This variant is not present in population databases (gnomAD no frequency). This variant has not been reported in the literature in individuals affected with ATM-related conditions. ClinVar contains an entry for this variant (Variation ID: 846036). Algorithms developed to predict the effect of sequence changes on RNA splicing suggest that this variant may disrupt the consensus splice site. In summary, the available evidence is currently insufficient to determine the role of this variant in disease. Therefore, it has been classified as a Variant of Uncertain Significance.

Baylor Genetics
Classification: Uncertain significance for Familial cancer of breast. Last evaluated: 2023-03-21. Review status: criteria provided, single submitter. Criteria: ACMG Guidelines, 2015. Collection method: clinical testing. Allele origin: unknown.

Blueprint Genetics
Classification: Uncertain significance. Last evaluated: 2022-11-23. Review status: criteria provided, single submitter. Criteria: ACMG Guidelines, 2015. Collection method: clinical testing. Allele origin: germline.

Women's Health and Genetics/Laboratory Corporation of America, LabCorp
Classification: Uncertain significance. Last evaluated: 2021-10-20. Review status: criteria provided, single submitter. Criteria: LabCorp Variant Classification Summary - May 2015. Collection method: clinical testing. Allele origin: germline.

Color Diagnostics, LLC DBA Color Health
Classification: Uncertain significance for Hereditary cancer-predisposing syndrome. Last evaluated: 2018-11-06. Review status: criteria provided, single submitter. Criteria: ACMG Guidelines, 2015. Collection method: clinical testing. Allele origin: germline.